The following is an entry in ClinVar:

NM_001356.5(DDX3X):c.1746del (p.Ser583fs)

Gene: DDX3X (DEAD-box helicase 3 X-linked; plus strand). Cytogenetic location: Xp11.4.
Variant type: Deletion.
Coding change: c.1746del on transcript NM_001356.5 (MANE Select); coding-DNA position 1746, one base deleted (T; older notation c.1746delT).
Protein change: p.Ser583fs; shifts the reading frame from serine 583.
Molecular consequence: frameshift variant. On other transcripts: non-coding transcript variant (1).
Genome position (GRCh38, 1-based): chrX:41,346,989, T deleted. VCF-style (leftmost placement, unchanged base first): chrX-41346988-GT-G. GRCh37 (hg19) VCF-style: chrX-41206241-GT-G.
Other names: c.1746del, p.Ser583fs (NM_001193416.3); c.1698del, p.Ser567fs (NM_001193417.3); c.1188del, p.Ser397fs (NM_001363819.1); short protein forms S583fs, S567fs, S397fs.
Identifiers: ClinVar variation 870099 (VCV000870099.3), dbSNP rs2063933817, ClinGen allele CA916083936.
Genomic context (GRCh38, chrX:41,346,988, plus strand): 5'-AAGCTAAACAAGAAGTGCCGTCTTGGTTAGAAAACATGGCTTATGAACACCACTACAAGG[GT>G]AGCAGTCGTGGACGTTCTAAGAGGTGAGGTATAAATAGTATATAATGAGGGGAATGGGTG-3'

ClinVar aggregate classification (germline): Pathogenic (1 of 4 stars; one submission).

Conditions:
Microcephaly. Also called: Microcephaly (disease). Identifiers: MedGen C4551563, MONDO:0001149, HP:0000252.
Delayed speech and language development. Also called: Language delay. Identifiers: MedGen C0454644, HP:0000750.
Global developmental delay (DD). Also called: Cognitive delay. Identifiers: MedGen C0557874, HP:0001263. Disease mechanism: loss of function.

Submission:

Institute for Genomic Statistics and Bioinformatics, University Hospital Bonn
Classification: Pathogenic for Delayed speech and language development; Microcephaly; Global developmental delay. Last evaluated: 2020-03-03. Review status: criteria provided, single submitter. Criteria: ACMG Guidelines, 2015. Collection method: clinical testing. Allele origin: de novo. Inheritance: X-linked dominant inheritance. Affected: yes. Observed: 1 heterozygote.
Comment: The variant was absent from large population studies. Patients with mutations in DDX3X have been described by Snijders Blok L. (AJHG 2015). The phenotypic spectrum of patients with DDX3X overlaps with the clinical features of the reported case. Based on ACMG criteria (PVS1, PS2, PM1, PM2, PP3) the variant is predicted as pathogenic.